The following is an entry in ClinVar:

ClinVar aggregate classification (germline): Uncertain significance. Review status: criteria provided, multiple submitters, no conflicts (2 of 4 stars). 2 submissions from 2 submitters: Uncertain significance (2). Last evaluated 2025-12-02.

Conditions:
Pulmonary fibrosis and/or bone marrow failure, Telomere-related, 3. Also called: PULMONARY FIBROSIS AND/OR BONE MARROW FAILURE SYNDROME, TELOMERE-RELATED, 3. Identifiers: Orphanet 2032, MedGen C4225346, MONDO:0014613, OMIM 616373.
Dyskeratosis congenita, autosomal recessive 5 (DKCB5). Identifiers: MedGen C3554656, MONDO:0014076, OMIM 615190.
Inborn genetic diseases. Identifiers: MedGen C0950123, MeSH D030342.

Allele frequency attached by ClinVar (database versions not stated): gnomAD exomes below 0.00001; TOPMed below 0.00001.
gnomAD v4.1: 5 of 1,612,042 alleles (0.00031%); highest among the groups gnomAD compares: Non-Finnish European, 0.00042%; no homozygotes.

Submissions (2):

Ambry Genetics
Classification: Uncertain significance for Inborn genetic diseases. Last evaluated: 2025-12-02. Review status: criteria provided, single submitter. Criteria: Ambry Variant Classification Scheme 2023. Collection method: clinical testing. Allele origin: germline.
Comment: The p.S983G variant (also known as c.2947A>G), located in coding exon 29 of the RTEL1 gene, results from an A to G substitution at nucleotide position 2947. The serine at codon 983 is replaced by glycine, an amino acid with similar properties. This amino acid position is conserved. In addition, this alteration is predicted to be tolerated by in silico analysis. Based on the available evidence, the clinical significance of this variant remains unclear.

Labcorp Genetics (formerly Invitae), Labcorp
Classification: Uncertain significance for Dyskeratosis congenita, autosomal recessive 5; Pulmonary fibrosis and/or bone marrow failure, Telomere-related, 3. Last evaluated: 2024-04-02. Review status: criteria provided, single submitter. Criteria: Invitae Variant Classification Sherloc (09022015). Collection method: clinical testing. Allele origin: germline.
Comment: This sequence change replaces serine, which is neutral and polar, with glycine, which is neutral and non-polar, at codon 983 of the RTEL1 protein (p.Ser983Gly). This variant is not present in population databases (gnomAD no frequency). This variant has not been reported in the literature in individuals affected with RTEL1-related conditions. ClinVar contains an entry for this variant (Variation ID: 2184488). Algorithms developed to predict the effect of missense changes on protein structure and function output the following: SIFT: "Not Available"; PolyPhen-2: "Benign"; Align-GVGD: "Not Available". The glycine amino acid residue is found in multiple mammalian species, which suggests that this missense change does not adversely affect protein function. In summary, the available evidence is currently insufficient to determine the role of this variant in disease. Therefore, it has been classified as a Variant of Uncertain Significance.

NM_001283009.2(RTEL1):c.2947A>G (p.Ser983Gly)

Genes: RTEL1 (regulator of telomere elongation helicase 1; plus strand), RTEL1-TNFRSF6B (RTEL1-TNFRSF6B readthrough (NMD candidate); plus strand). Cytogenetic location: 20q13.33.
Variant type: single nucleotide variant.
Coding change: c.2947A>G on transcript NM_001283009.2 (MANE Select); coding-DNA position 2947, A replaced by G.
Protein change: p.Ser983Gly; replaces serine 983 with glycine.
Molecular consequence: missense variant. On other transcripts: non-coding transcript variant (1).
Genome position (GRCh38, 1-based): chr20:63,693,238, A>G. VCF-style: chr20-63693238-A-G. GRCh37 (hg19) VCF-style: chr20-62324591-A-G.
Other names: c.2278A>G, p.Ser760Gly (NM_001283010.1); c.2947A>G, p.Ser983Gly (NM_016434.4); c.3019A>G, p.Ser1007Gly (NM_032957.5); short protein forms S760G, S1007G, S983G.
Identifiers: ClinVar variation 2184488 (VCV002184488.5), dbSNP rs2090807633, ClinGen allele CA409683357.